The following is an entry in ClinVar:

NM_003059.3(SLC22A4):c.339C>T (p.Cys113=)

Gene: SLC22A4 (solute carrier family 22 member 4; plus strand). Cytogenetic location: 5q31.1.
Variant type: single nucleotide variant.
Coding change: c.339C>T on transcript NM_003059.3 (MANE Select); coding-DNA position 339, C replaced by T.
Protein change: p.Cys113=; no amino-acid change (cysteine 113 retained).
Molecular consequence: synonymous variant.
Genome position (GRCh38, 1-based): chr5:132,294,955, C>T. VCF-style: chr5-132294955-C-T. GRCh37 (hg19) VCF-style: chr5-131630648-C-T.
Identifiers: ClinVar variation 1669687 (VCV001669687.33), dbSNP rs11568502, ClinGen allele CA3403345.
Genomic context (GRCh38, chr5:132,294,955, plus strand): 5'-GGCGCTCGGGCTGGAGCCGGGGCGCGACGTGGACCTGGGGCAGCTGGAGCAGGAGAGCTG[C>T]CTGGATGGCTGGGAGTTCAGCCAGGACGTCTACCTGTCCACCGTCGTGACCGAGGTGGGT-3'
Protein context (NP_003050.2, residues 103-123): VDLGQLEQES[Cys113=]LDGWEFSQDV

ClinVar aggregate classification (germline): Benign/Likely benign. Review status: criteria provided, multiple submitters, no conflicts (2 of 4 stars). 3 submissions from 3 submitters: Benign (1); Likely benign (2). Last evaluated 2026-01-26.

Allele frequency attached by ClinVar (database versions not stated): 1000 Genomes Project 0.00140; 1000 Genomes Project 30x 0.00156; ESP Exome Variant Server 0.00185; gnomAD exomes 0.00200; ExAC 0.00288.

Submissions (3):

Labcorp Genetics (formerly Invitae), Labcorp
Classification: Benign. Last evaluated: 2026-01-26. Review status: criteria provided, single submitter. Criteria: Invitae Variant Classification Sherloc (09022015). Collection method: clinical testing. Allele origin: germline.

Blueprint Genetics
Classification: Likely benign. Last evaluated: 2024-11-25. Review status: criteria provided, single submitter. Criteria: ACMG Guidelines, 2015. Collection method: clinical testing. Allele origin: germline.

CeGaT Center for Human Genetics Tuebingen
Classification: Likely benign. Last evaluated: 2022-10-01. Review status: criteria provided, single submitter. Criteria: CeGaT Center For Human Genetics Tuebingen Variant Classification Criteria Version 2. Collection method: clinical testing. Allele origin: germline. Affected: yes. Observed: 1 variant allele.
Comment: SLC22A4: BP4, BP7